The following is an entry in ClinVar:

ClinVar aggregate classification (germline): Uncertain significance. Review status: criteria provided, multiple submitters, no conflicts (2 of 4 stars). 2 submissions from 2 submitters: Uncertain significance (2). Last evaluated 2024-12-13.

Conditions:
Inborn genetic diseases. Identifiers: MedGen C0950123, MeSH D030342.

Allele frequency attached by ClinVar (database versions not stated): ExAC 0.00003; gnomAD exomes 0.00005; TOPMed 0.00006; gnomAD 0.00007 and 0.00008.
gnomAD v4.1: 411 of 1,613,980 alleles (0.025%); highest among the groups gnomAD compares: Non-Finnish European, 0.034%; 1 homozygote.

Submissions (2):

Ambry Genetics
Classification: Uncertain significance for Inborn genetic diseases. Last evaluated: 2024-12-13. Review status: criteria provided, single submitter. Criteria: Ambry Variant Classification Scheme 2023. Collection method: clinical testing. Allele origin: germline.

Labcorp Genetics (formerly Invitae), Labcorp
Classification: Uncertain significance. Last evaluated: 2022-07-19. Review status: criteria provided, single submitter. Criteria: Invitae Variant Classification Sherloc (09022015). Collection method: clinical testing. Allele origin: germline.
Comment: This sequence change replaces proline, which is neutral and non-polar, with leucine, which is neutral and non-polar, at codon 144 of the TUBGCP6 protein (p.Pro144Leu). This variant is present in population databases (rs199680833, gnomAD 0.01%). This variant has not been reported in the literature in individuals affected with TUBGCP6-related conditions. ClinVar contains an entry for this variant (Variation ID: 1353122). Algorithms developed to predict the effect of missense changes on protein structure and function are either unavailable or do not agree on the potential impact of this missense change (SIFT: "Tolerated"; PolyPhen-2: "Possibly Damaging"; Align-GVGD: "Class C0"). In summary, the available evidence is currently insufficient to determine the role of this variant in disease. Therefore, it has been classified as a Variant of Uncertain Significance.

NM_020461.4(TUBGCP6):c.431C>T (p.Pro144Leu)

Gene: TUBGCP6 (tubulin gamma complex component 6; minus strand). Cytogenetic location: 22q13.33.
Variant type: single nucleotide variant.
Coding change: c.431C>T on transcript NM_020461.4 (MANE Select); coding-DNA position 431, C replaced by T.
Protein change: p.Pro144Leu; replaces proline 144 with leucine.
Molecular consequence: missense variant.
Genome position (GRCh38, 1-based): chr22:50,244,029, G>A on the plus strand (C>T on the coding strand, the complement: TUBGCP6 is on the minus strand). VCF-style: chr22-50244029-G-A. GRCh37 (hg19) VCF-style: chr22-50682458-G-A.
Other names: c.431C>T (NM_020461.3); short protein forms P144L.
Identifiers: ClinVar variation 1353122 (VCV001353122.7), dbSNP rs199680833, ClinGen allele CA10309058.